The following is an entry in ClinVar:

NM_199242.3(UNC13D):c.2638G>C (p.Asp880His)

Genes: UNC13D (unc-13 homolog D; minus strand), LOC112533672 (Sharpr-MPRA regulatory region 1193; plus strand). Cytogenetic location: 17q25.1.
Variant type: single nucleotide variant.
Coding change: c.2638G>C on transcript NM_199242.3 (MANE Select); coding-DNA position 2638, G replaced by C.
Protein change: p.Asp880His; replaces aspartic acid 880 with histidine.
Molecular consequence: missense variant.
Genome position (GRCh38, 1-based): chr17:75,830,649, C>G on the plus strand (G>C on the coding strand, the complement: UNC13D is on the minus strand). VCF-style: chr17-75830649-C-G. GRCh37 (hg19) VCF-style: chr17-73826730-C-G.
Other names: short protein forms D880H.
Identifiers: ClinVar variation 1974618 (VCV001974618.3), dbSNP rs757643349, ClinGen allele CA401080870.
Genomic context (GRCh38, chr17:75,830,649, plus strand): 5'-TTCGGCTGCAGAAGTACTTCCGGATGAGTTCCCGGCTGGAGGCCGCCTGCAGCTCCAGGT[C>G]CCTCTGCAGAGCCTGGGAACACATACAGCTGAGGATCCACCTGGACTGCACGCCCAACCA-3'
Protein context (NP_954712.1, residues 870-890): HTATFQALQR[Asp880His]LELQAASSRE

ClinVar aggregate classification (germline): Uncertain significance. Review status: criteria provided, multiple submitters, no conflicts (2 of 4 stars). 2 submissions from 2 submitters: Uncertain significance (2). Last evaluated 2022-04-01.

Conditions:
Familial hemophagocytic lymphohistiocytosis 3 (FHL3). Also called: UNC13D-Related Familial Hemophagocytic Lymphohistiocytosis (UNC13D-fHLH). Identifiers: Orphanet 540, MedGen C1837174, MONDO:0012146, OMIM 608898.

Allele frequency attached by ClinVar (database versions not stated): gnomAD 0.00001.

Submissions (2):

Labcorp Genetics (formerly Invitae), Labcorp
Classification: Uncertain significance for Familial hemophagocytic lymphohistiocytosis 3. Last evaluated: 2022-04-01. Review status: criteria provided, single submitter. Criteria: Invitae Variant Classification Sherloc (09022015). Collection method: clinical testing. Allele origin: germline.
Comment: This sequence change replaces aspartic acid, which is acidic and polar, with histidine, which is basic and polar, at codon 880 of the UNC13D protein (p.Asp880His). This variant is not present in population databases (gnomAD no frequency). This variant has not been reported in the literature in individuals affected with UNC13D-related conditions. Algorithms developed to predict the effect of missense changes on protein structure and function are either unavailable or do not agree on the potential impact of this missense change (SIFT: "Not Available"; PolyPhen-2: "Benign"; Align-GVGD: "Not Available"). In summary, the available evidence is currently insufficient to determine the role of this variant in disease. Therefore, it has been classified as a Variant of Uncertain Significance.

Breakthrough Genomics
Classification: Uncertain significance. Review status: criteria provided, single submitter. Criteria: ACMG Guidelines, 2015. Collection method: not provided. Allele origin: germline. Inheritance: Autosomal recessive inheritance. Affected: yes.